The following is an entry in ClinVar:

ClinVar aggregate classification (germline): Pathogenic/Likely pathogenic. Review status: criteria provided, multiple submitters, no conflicts (2 of 4 stars). 3 submissions from 3 submitters: Pathogenic (1); Likely pathogenic (2). Last evaluated 2025-04-30.

Conditions:
Severe X-linked myotubular myopathy (CNMX). Also called: MYOTUBULAR MYOPATHY 1; X-linked centronuclear myopathy; Myotubular myopathy, X-linked. Identifiers: Orphanet 596, MedGen C0410203, MONDO:0010683, OMIM 310400.

Submissions (3):

Variantyx, Inc.
Classification: Likely pathogenic for Severe X-linked myotubular myopathy. Last evaluated: 2025-04-30. Review status: criteria provided, single submitter. Criteria: Variantyx Assertion Criteria 2022. Collection method: clinical testing. Allele origin: maternal. Inheritance: X-linked recessive inheritance.
Comment: This is a frameshift variant in the MTM1 gene (OMIM: 300415). Pathogenic variants in this gene have been associated with X-linked centronuclear myopathy. This variant introduces a premature termination codon in exon 3 out of 15 and is expected to result in loss of function, which is a known disease mechanism for MTM1 in this disorder (PMID: 9305655, 10063835) (PVS1). This variant is absent from control populations (PM2). Based on the current evidence, this variant is classified as likely pathogenic for X-linked centronuclear myopathy.

Labcorp Genetics (formerly Invitae), Labcorp
Classification: Pathogenic for Severe X-linked myotubular myopathy. Last evaluated: 2025-01-01. Review status: criteria provided, single submitter. Criteria: Invitae Variant Classification Sherloc (09022015). Collection method: clinical testing. Allele origin: germline.
Comment: This sequence change creates a premature translational stop signal (p.Pro39Glnfs*5) in the MTM1 gene. It is expected to result in an absent or disrupted protein product. Loss-of-function variants in MTM1 are known to be pathogenic (PMID: 9305655, 10063835). This variant is not present in population databases (gnomAD no frequency). This variant has not been reported in the literature in individuals affected with MTM1-related conditions. ClinVar contains an entry for this variant (Variation ID: 2920995). For these reasons, this variant has been classified as Pathogenic.

ARUP Laboratories, Molecular Genetics and Genomics, ARUP Laboratories
Classification: Likely pathogenic for Severe X-linked myotubular myopathy. Last evaluated: 2023-08-09. Review status: criteria provided, single submitter. Criteria: ARUP Molecular Germline Variant Investigation Process 2024. Collection method: clinical testing. Allele origin: germline.
Comment: The MTM1 c.114del; p.Pro39GlnfsTer5 variant, to our knowledge, is not reported in the medical literature or gene specific databases. This variant is also absent from the Genome Aggregation Database (v2.1.1), indicating it is not a common polymorphism. This variant causes a frameshift by deleting a single nucleotide, so it is predicted to result in a truncated protein or mRNA subject to nonsense-mediated decay. Based on available information, this variant is considered to be likely pathogenic.

Literature cited by the submitters: PubMed 9305655 (cited by Variantyx, Inc. and Labcorp Genetics (formerly Invitae), Labcorp); PubMed 10063835 (cited by Variantyx, Inc. and Labcorp Genetics (formerly Invitae), Labcorp).

NM_000252.3(MTM1):c.114del (p.Pro39fs)

Gene: MTM1 (myotubularin 1; plus strand). Cytogenetic location: Xq28.
Variant type: Deletion.
Coding change: c.114del on transcript NM_000252.3 (MANE Select); coding-DNA position 114, one base deleted (T; older notation c.114delT).
Protein change: p.Pro39fs; shifts the reading frame from proline 39.
Molecular consequence: frameshift variant.
Genome position (GRCh38, 1-based): chrX:150,596,548, T deleted; the last of 2 consecutive T bases (chrX:150,596,547-150,596,548); deleting either gives the same sequence. VCF-style (leftmost placement, unchanged base first): chrX-150596546-CT-C. GRCh37 (hg19) VCF-style: chrX-149765010-CT-C.
Other names: c.114del, p.Pro39fs (NM_001376906.1, NM_001376907.1, NM_001376908.1); short protein forms P39fs.
Identifiers: ClinVar variation 2920995 (VCV002920995.3), dbSNP rs2522123139, ClinGen allele CA2739273840.